The following is an entry in ClinVar:

ClinVar aggregate classification (germline): Uncertain significance. Review status: criteria provided, multiple submitters, no conflicts (2 of 4 stars). 2 submissions from 2 submitters: Uncertain significance (2). Last evaluated 2022-04-13.

Conditions:
Fanconi anemia (FA). Also called: Fanconi's anemia. Identifiers: Orphanet 84, MedGen C0015625, MeSH D005199, MONDO:0019391.

Submissions (2):

Labcorp Genetics (formerly Invitae), Labcorp
Classification: Uncertain significance for Fanconi anemia. Last evaluated: 2022-04-13. Review status: criteria provided, single submitter. Criteria: Invitae Variant Classification Sherloc (09022015). Collection method: clinical testing. Allele origin: germline.
Comment: This sequence change falls in intron 32 of the FANCI gene. It does not directly change the encoded amino acid sequence of the FANCI protein. It affects a nucleotide within the consensus splice site. This variant is present in population databases (rs780264785, gnomAD 0.007%). This variant has not been reported in the literature in individuals affected with FANCI-related conditions. ClinVar contains an entry for this variant (Variation ID: 1319326). Variants that disrupt the consensus splice site are a relatively common cause of aberrant splicing (PMID: 17576681, 9536098). Algorithms developed to predict the effect of sequence changes on RNA splicing suggest that this variant may disrupt the consensus splice site. In summary, the available evidence is currently insufficient to determine the role of this variant in disease. Therefore, it has been classified as a Variant of Uncertain Significance.

Institute for Clinical Genetics, University Hospital TU Dresden, University Hospital TU Dresden
Classification: Uncertain significance. Last evaluated: 2021-11-03. Review status: criteria provided, single submitter. Criteria: ACMG Guidelines, 2015. Collection method: clinical testing. Allele origin: germline.

Literature cited by the submitters: PubMed 17576681 (cited by Labcorp Genetics (formerly Invitae), Labcorp); PubMed 9536098 (cited by Labcorp Genetics (formerly Invitae), Labcorp).

NM_001113378.2(FANCI):c.3537+3_3537+6del

Gene: FANCI (FA complementation group I; plus strand). Cytogenetic location: 15q26.1.
Variant type: Deletion.
Coding change: c.3537+3_3537+6del on transcript NM_001113378.2 (MANE Select); bases 3 to 6 of the intron after coding-DNA position 3537, 4 bases deleted (GAGT; older notation c.3537+3_3537+6delGAGT).
Molecular consequence: splice donor variant.
Genome position (GRCh38, 1-based): chr15:89,306,197-89,306,200, GAGT deleted; deleting any 4 consecutive bases within chr15:89,306,195-89,306,200 gives the same sequence; the c. name uses the placement nearest the transcript's 3' end. VCF-style (leftmost placement, unchanged base first): chr15-89306194-TGTGA-T. GRCh37 (hg19) VCF-style: chr15-89849425-TGTGA-T.
Other names: c.3357+3_3357+6del (NM_018193.3); c.3537+3_3537+6del (NM_001376911.1); c.3258+3_3258+6del (NM_001376910.1).
Identifiers: ClinVar variation 1319326 (VCV001319326.5), dbSNP rs780264785, ClinGen allele CA7723741.